The following is an entry in ClinVar:

ClinVar aggregate classification (germline): Uncertain significance (1 of 4 stars; one submission).

Submission:

CeGaT Center for Human Genetics Tuebingen
Classification: Uncertain significance. Last evaluated: 2024-06-01. Review status: criteria provided, single submitter. Criteria: CeGaT Center For Human Genetics Tuebingen Variant Classification Criteria Version 2. Collection method: clinical testing. Allele origin: germline. Affected: yes. Observed: 1 variant allele.
Comment: CALR: PM2, BP4

NM_004343.4(CALR):c.262G>C (p.Gly88Arg)

Gene: CALR (calreticulin; plus strand). Cytogenetic location: 19p13.13.
Variant type: single nucleotide variant.
Coding change: c.262G>C on transcript NM_004343.4 (MANE Select); coding-DNA position 262, G replaced by C.
Protein change: p.Gly88Arg; replaces glycine 88 with arginine.
Molecular consequence: missense variant.
Genome position (GRCh38, 1-based): chr19:12,939,496, G>C. VCF-style: chr19-12939496-G-C. GRCh37 (hg19) VCF-style: chr19-13050310-G-C.
Other names: short protein forms G88R.
Identifiers: ClinVar variation 3251182 (VCV003251182.18), dbSNP rs2512625690.
Genomic context (GRCh38, chr19:12,939,496, plus strand): 5'-ACAAGCCAGGATGCACGCTTTTATGCTCTGTCGGCCAGTTTCGAGCCTTTCAGCAACAAA[G>C]GCCAGACGCTGGTGGTGCAGTTCACGGTGAAACATGAGCAGAACATCGACTGTGGGGGCG-3'
Protein context (NP_004334.1, residues 78-98): SASFEPFSNK[Gly88Arg]QTLVVQFTVK